The following is an entry in ClinVar:

ClinVar aggregate classification (germline): Uncertain significance (1 of 4 stars; one submission).

Submission:

GeneDx
Classification: Uncertain significance. Last evaluated: 2024-12-31. Review status: criteria provided, single submitter. Criteria: GeneDx Variant Classification Process June 2021. Collection method: clinical testing. Allele origin: germline. Affected: yes.
Comment: Not observed at significant frequency in large population cohorts (gnomAD); In silico analysis supports that this missense variant has a deleterious effect on protein structure/function; Has not been previously published as pathogenic or benign to our knowledge

NM_014974.3(DIP2C):c.250G>C (p.Asp84His)

Gene: DIP2C (disco interacting protein 2 homolog C; minus strand). Cytogenetic location: 10p15.3.
Variant type: single nucleotide variant.
Coding change: c.250G>C on transcript NM_014974.3 (MANE Select); coding-DNA position 250, G replaced by C.
Protein change: p.Asp84His; replaces aspartic acid 84 with histidine.
Molecular consequence: missense variant.
Genome position (GRCh38, 1-based): chr10:472,457, C>G on the plus strand (G>C on the coding strand, the complement: DIP2C is on the minus strand). VCF-style: chr10-472457-C-G. GRCh37 (hg19) VCF-style: chr10-518397-C-G.
Other names: short protein forms D84H.
Identifiers: ClinVar variation 3907730 (VCV003907730.1).
Genomic context (GRCh38, chr10:472,457, plus strand): 5'-GGTGGCAGATGGACGTATTGTATCACCCCACCCCGTGCTTACCTGACCGATAGCGCTCAT[C>G]TCGTGACCCTGAAGACCGTCGGCGGTGGTAGCGAGAGGCGGAGGAAGGAGTGACAGGAGC-3'
Protein context (NP_055789.1, residues 74-94): YHRRRSSGSR[Asp84His]ERYRSDVHTE